The following is an entry in ClinVar:

ClinVar aggregate classification (germline): Likely benign. Review status: criteria provided, multiple submitters, no conflicts (2 of 4 stars). 2 submissions from 2 submitters: Likely benign (2). Last evaluated 2024-04-23.

Submissions (2):

Women's Health and Genetics/Laboratory Corporation of America, LabCorp
Classification: Likely benign. Last evaluated: 2024-04-23. Review status: criteria provided, single submitter. Criteria: LabCorp Variant Classification Summary - May 2015. Collection method: clinical testing. Allele origin: germline.
Comment: Variant summary: CTNNB1 c.937-26_937-14del13 alters a nucleotide located at a position not widely known to affect splicing. Consensus agreement among computation tools predict no significant impact on normal splicing. However, these predictions have yet to be confirmed by functional studies. The variant was absent in 249100 control chromosomes (gnomAD). The available data on variant occurrences in the general population are insufficient to allow any conclusion about variant significance. To our knowledge, no occurrence of c.937-26_937-14del13 in individuals affected with Severe Intellectual Disability-Progressive Spastic Diplegia Syndrome and no experimental evidence demonstrating its impact on protein function have been reported. No submitters have cited clinical-significance assessments for this variant to ClinVar. Based on the evidence outlined above, the variant was classified as likely benign.

Labcorp Genetics (formerly Invitae), Labcorp
Classification: Likely benign. Last evaluated: 2024-03-19. Review status: criteria provided, single submitter. Criteria: Invitae Variant Classification Sherloc (09022015). Collection method: clinical testing. Allele origin: germline.

NM_001904.4(CTNNB1):c.937-26_937-14del

Gene: CTNNB1 (catenin beta 1; plus strand). Cytogenetic location: 3p22.1.
Variant type: Deletion.
Coding change: c.937-26_937-14del on transcript NM_001904.4 (MANE Select); 26 bases into the intron before coding-DNA position 937 through 14 bases into the intron before coding-DNA position 937, 13 bases deleted (CAAGATATATATA).
Molecular consequence: intron variant.
Genome position (GRCh38, 1-based): chr3:41,227,182-41,227,194, CAAGATATATATA deleted; deleting any 13 consecutive bases within chr3:41,227,181-41,227,194 gives the same sequence; the c. name uses the placement nearest the transcript's 3' end. VCF-style (leftmost placement, unchanged base first): chr3-41227180-AACAAGATATATAT-A. GRCh37 (hg19) VCF-style: chr3-41268671-AACAAGATATATAT-A.
Other names: c.937-26_937-14del13 (NM_001904.4); c.916-26_916-14del (NM_001330729.2); c.937-26_937-14del (NM_001098209.2, NM_001098210.2).
Identifiers: ClinVar variation 3251775 (VCV003251775.3), dbSNP rs2078195666.